The following is an entry in ClinVar:

ClinVar aggregate classification (germline): Benign/Likely benign. Review status: criteria provided, multiple submitters, no conflicts (2 of 4 stars). 3 submissions from 3 submitters: Benign (1); Likely benign (2). Last evaluated 2024-04-10.

Conditions:
Hereditary cancer-predisposing syndrome. Also called: Neoplastic Syndromes, Hereditary; Tumor predisposition; Hereditary neoplastic syndrome; Hereditary Cancer Syndrome. Identifiers: Orphanet 140162, MedGen C0027672, MeSH D009386, MONDO:0015356.
Familial adenomatous polyposis 1 (FAP1). Also called: POLYPOSIS, ADENOMATOUS INTESTINAL; FAMILIAL ADENOMATOUS POLYPOSIS 1, ATTENUATED. Identifiers: MedGen C2713442, MONDO:0021056, OMIM 175100. Disease mechanism: loss of function.

Submissions (3):

Myriad Genetics, Inc.
Classification: Benign for Familial adenomatous polyposis 1. Last evaluated: 2024-04-10. Review status: criteria provided, single submitter. Criteria: Myriad Autosomal Dominant, Autosomal Recessive and X-Linked Classification Criteria (2023). Collection method: clinical testing. Allele origin: unknown.
Comment: This variant is considered benign. This variant is a silent/synonymous amino acid change and it is not expected to impact splicing.

Labcorp Genetics (formerly Invitae), Labcorp
Classification: Likely benign for Familial adenomatous polyposis 1. Last evaluated: 2022-12-05. Review status: criteria provided, single submitter. Criteria: Invitae Variant Classification Sherloc (09022015). Collection method: clinical testing. Allele origin: germline.

Ambry Genetics
Classification: Likely benign for Hereditary cancer-predisposing syndrome. Last evaluated: 2019-03-20. Review status: criteria provided, single submitter. Criteria: Ambry Variant Classification Scheme 2023. Collection method: clinical testing. Allele origin: germline.

NM_000038.6(APC):c.7602A>G (p.Glu2534=)

Gene: APC (APC regulator of Wnt signaling pathway; plus strand). Cytogenetic location: 5q22.2.
Variant type: single nucleotide variant.
Coding change: c.7602A>G on transcript NM_000038.6 (MANE Select); coding-DNA position 7602, A replaced by G.
Protein change: p.Glu2534=; no amino-acid change (glutamic acid 2534 retained).
Molecular consequence: synonymous variant.
Genome position (GRCh38, 1-based): chr5:112,843,196, A>G. VCF-style: chr5-112843196-A-G. GRCh37 (hg19) VCF-style: chr5-112178893-A-G.
Other names: c.7602A>G, p.Glu2534= (NM_001127510.3, NM_001354895.2); c.7548A>G, p.Glu2516= (NM_001127511.3); c.7656A>G, p.Glu2552= (NM_001354896.2); c.7632A>G, p.Glu2544= (NM_001354897.2); c.7527A>G, p.Glu2509= (NM_001354898.2); c.7518A>G, p.Glu2506= (NM_001354899.2); c.7479A>G, p.Glu2493= (NM_001354900.2); c.7425A>G, p.Glu2475= (NM_001354901.2); and 5 more.
Identifiers: ClinVar variation 827151 (VCV000827151.13), dbSNP rs1580684642, ClinGen allele CA446211079.